The following is an entry in ClinVar:

NM_199420.4(POLQ):c.4358A>G (p.Glu1453Gly)

Gene: POLQ (DNA polymerase theta; minus strand). Cytogenetic location: 3q13.33.
Variant type: single nucleotide variant.
Coding change: c.4358A>G on transcript NM_199420.4 (MANE Select); coding-DNA position 4358, A replaced by G.
Protein change: p.Glu1453Gly; replaces glutamic acid 1453 with glycine.
Molecular consequence: missense variant.
Genome position (GRCh38, 1-based): chr3:121,488,573, T>C on the plus strand (A>G on the coding strand, the complement: POLQ is on the minus strand). VCF-style: chr3-121488573-T-C. GRCh37 (hg19) VCF-style: chr3-121207420-T-C.
Other names: short protein forms E1453G.
Identifiers: ClinVar variation 2563879 (VCV002563879.2), dbSNP rs2546785981, ClinGen allele CA354095318.

ClinVar aggregate classification (germline): Uncertain significance (1 of 4 stars; one submission).

Submission:

Ambry Genetics
Classification: Uncertain significance. Last evaluated: 2023-05-29. Review status: criteria provided, single submitter. Criteria: Ambry Variant Classification Scheme 2023. Collection method: clinical testing. Allele origin: germline.
Comment: The p.E1453G variant (also known as c.4358A>G), located in coding exon 16 of the POLQ gene, results from an A to G substitution at nucleotide position 4358. The glutamic acid at codon 1453 is replaced by glycine, an amino acid with similar properties. This amino acid position is conserved. In addition, this alteration is predicted to be tolerated by in silico analysis. Since supporting evidence is limited at this time, the clinical significance of this alteration remains unclear.